The following is an entry in ClinVar:

NM_001035.3(RYR2):c.14502A>G (p.Pro4834=)

Gene: RYR2 (ryanodine receptor 2; plus strand). Cytogenetic location: 1q43.
Variant type: single nucleotide variant.
Coding change: c.14502A>G on transcript NM_001035.3 (MANE Select); coding-DNA position 14502, A replaced by G.
Protein change: p.Pro4834=; no amino-acid change (proline 4834 retained).
Molecular consequence: synonymous variant.
Genome position (GRCh38, 1-based): chr1:237,819,104, A>G. VCF-style: chr1-237819104-A-G. GRCh37 (hg19) VCF-style: chr1-237982404-A-G.
Identifiers: ClinVar variation 926904 (VCV000926904.7), dbSNP rs368463791, ClinGen allele CA085669.

ClinVar aggregate classification (germline): Likely benign. Review status: criteria provided, multiple submitters, no conflicts (2 of 4 stars). 3 submissions from 3 submitters: Likely benign (3). Last evaluated 2025-07-20.

Conditions:
Cardiomyopathy (CMYO). Also called: Cardiomyopathies. Identifiers: Orphanet 167848, MedGen C0878544, MONDO:0004994, HP:0001638. Inheritance: Various modes of inheritance.
Catecholaminergic polymorphic ventricular tachycardia (CVPT). Also called: Catecholamine-induced polymorphic ventricular tachycardia. Identifiers: Orphanet 3286, MedGen C5574922, MONDO:0017990.
Catecholaminergic polymorphic ventricular tachycardia 1. Also called: VENTRICULAR TACHYCARDIA, CATECHOLAMINERGIC POLYMORPHIC, 1, WITH OR WITHOUT ATRIAL DYSFUNCTION AND/OR DILATED CARDIOMYOPATHY; VENTRICULAR TACHYCARDIA, STRESS-INDUCED POLYMORPHIC 1; RYR2-Related Catecholaminergic Polymorphic Ventricular Tachycardia. Identifiers: Orphanet 3286, MedGen C1631597, MONDO:0011484, OMIM 604772.

Allele frequency attached by ClinVar (database versions not stated): gnomAD exomes 0.00001 and 0.00002; ExAC 0.00002; ESP Exome Variant Server 0.00008.
gnomAD v4.1: 24 of 1,613,804 alleles (0.0015%); highest among the groups gnomAD compares: Non-Finnish European, 0.002%; no homozygotes.

Submissions (3):

Labcorp Genetics (formerly Invitae), Labcorp
Classification: Likely benign for Catecholaminergic polymorphic ventricular tachycardia 1. Last evaluated: 2025-07-20. Review status: criteria provided, single submitter. Criteria: Invitae Variant Classification Sherloc (09022015). Collection method: clinical testing. Allele origin: germline.

All of Us Research Program, National Institutes of Health
Classification: Likely benign for Catecholaminergic polymorphic ventricular tachycardia. Last evaluated: 2023-05-31. Review status: criteria provided, single submitter. Criteria: ACMG Guidelines, 2015. Collection method: clinical testing. Allele origin: germline. Inheritance: Autosomal dominant inheritance. Observed: 1 variant allele, 1 heterozygote.
Comment: This study involves interpretation of variants in research participants for the purpose of population health screening. Participant phenotype was not available at the time of variant classification. Additional details can be found in publication PMID: 35346344, PMCID: PMC8962531

Color Diagnostics, LLC DBA Color Health
Classification: Likely benign for Cardiomyopathy. Last evaluated: 2019-06-26. Review status: criteria provided, single submitter. Criteria: ACMG Guidelines, 2015. Collection method: clinical testing. Allele origin: germline.